The following is an entry in ClinVar:

NM_000404.4(GLB1):c.326G>A (p.Arg109Gln)

Gene: GLB1 (galactosidase beta 1; minus strand). Cytogenetic location: 3p22.3.
Variant type: single nucleotide variant.
Coding change: c.326G>A on transcript NM_000404.4 (MANE Select); coding-DNA position 326, G replaced by A.
Protein change: p.Arg109Gln; replaces arginine 109 with glutamine.
Molecular consequence: missense variant. On other transcripts: intron variant (1).
Genome position (GRCh38, 1-based): chr3:33,068,890, C>T on the plus strand (G>A on the coding strand, the complement: GLB1 is on the minus strand). VCF-style: chr3-33068890-C-T. GRCh37 (hg19) VCF-style: chr3-33110382-C-T.
Other names: c.236G>A, p.Arg79Gln (NM_001079811.3); c.470G>A, p.Arg157Gln (NM_001317040.2); c.326G>A, p.Arg109Gln (NM_001393580.1); c.246-3333G>A (NM_001135602.3); short protein forms R79Q, R109Q, R157Q.
Identifiers: ClinVar variation 2201707 (VCV002201707.2), dbSNP rs754790691, ClinGen allele CA351994799.

ClinVar aggregate classification (germline): Uncertain significance (1 of 4 stars; one submission).

Conditions:
GM1 gangliosidosis. Identifiers: Orphanet 354, MedGen C0085131, MONDO:0018149.
Mucopolysaccharidosis, MPS-IV-B (MPS4B). Also called: Mucopolysaccharidosis type 4B; MORQUIO SYNDROME B; Mucopolysaccharidosis type IVB (Morquio); MPS IVB; Mucopolysaccharidosis type IV B; Mucopolysaccharidosis Type IVB. Identifiers: Orphanet 309310, Orphanet 582, MedGen C0086652, MONDO:0009660, OMIM 253010.

gnomAD v4.1: 13 of 1,614,086 alleles (0.00081%); highest among the groups gnomAD compares: East Asian, 0.0022%; no homozygotes.

Submissions (2):

Labcorp Genetics (formerly Invitae), Labcorp
Classification: Uncertain significance for Mucopolysaccharidosis, MPS-IV-B; GM1 gangliosidosis. Last evaluated: 2022-07-22. Review status: criteria provided, single submitter. Criteria: Invitae Variant Classification Sherloc (09022015). Collection method: clinical testing. Allele origin: germline.
Comment: This sequence change replaces arginine, which is basic and polar, with glutamine, which is neutral and polar, at codon 109 of the GLB1 protein (p.Arg109Gln). This variant is present in population databases (no rsID available, gnomAD 0.01%). This variant has not been reported in the literature in individuals affected with GLB1-related conditions. Advanced modeling of protein sequence and biophysical properties (such as structural, functional, and spatial information, amino acid conservation, physicochemical variation, residue mobility, and thermodynamic stability) performed at Invitae indicates that this missense variant is not expected to disrupt GLB1 protein function. Algorithms developed to predict the effect of sequence changes on RNA splicing suggest that this variant may create or strengthen a splice site. In summary, the available evidence is currently insufficient to determine the role of this variant in disease. Therefore, it has been classified as a Variant of Uncertain Significance.

Dr. Peter K. Rogan Lab, Western University
No classification provided (evidence only). Condition: Gastric cancer. Review status: no classification provided. Collection method: in vitro. Allele origin: not applicable. Functional consequence: retained intron. Not counted in ClinVar's aggregate classification.